The following is an entry in ClinVar:

ClinVar aggregate classification (germline): Uncertain significance (1 of 4 stars; one submission).

Submission:

Labcorp Genetics (formerly Invitae), Labcorp
Classification: Uncertain significance. Last evaluated: 2024-08-14. Review status: criteria provided, single submitter. Criteria: Invitae Variant Classification Sherloc (09022015). Collection method: clinical testing. Allele origin: germline.
Comment: This sequence change replaces leucine, which is neutral and non-polar, with serine, which is neutral and polar, at codon 1118 of the COL7A1 protein (p.Leu1118Ser). This variant is not present in population databases (gnomAD no frequency). This variant has not been reported in the literature in individuals affected with COL7A1-related conditions. Invitae Evidence Modeling of protein sequence and biophysical properties (such as structural, functional, and spatial information, amino acid conservation, physicochemical variation, residue mobility, and thermodynamic stability) has been performed for this missense variant. However, the output from this modeling did not meet the statistical confidence thresholds required to predict the impact of this variant on COL7A1 protein function. In summary, the available evidence is currently insufficient to determine the role of this variant in disease. Therefore, it has been classified as a Variant of Uncertain Significance.

NM_000094.4(COL7A1):c.3353T>C (p.Leu1118Ser)

Gene: COL7A1 (collagen type VII alpha 1 chain; minus strand). Cytogenetic location: 3p21.31.
Variant type: single nucleotide variant.
Coding change: c.3353T>C on transcript NM_000094.4 (MANE Select); coding-DNA position 3353, T replaced by C.
Protein change: p.Leu1118Ser; replaces leucine 1118 with serine.
Molecular consequence: missense variant.
Genome position (GRCh38, 1-based): chr3:48,586,613, A>G on the plus strand (T>C on the coding strand, the complement: COL7A1 is on the minus strand). VCF-style: chr3-48586613-A-G. GRCh37 (hg19) VCF-style: chr3-48624046-A-G.
Other names: short protein forms L1118S.
Identifiers: ClinVar variation 2700693 (VCV002700693.3), dbSNP rs754311367, ClinGen allele CA352707038.